The following is an entry in ClinVar:

NM_001195263.2(PDZD7):c.68G>A (p.Ser23Asn)

Gene: PDZD7 (PDZ domain containing 7; minus strand). Cytogenetic location: 10q24.31.
Variant type: single nucleotide variant.
Coding change: c.68G>A on transcript NM_001195263.2 (MANE Select); coding-DNA position 68, G replaced by A.
Protein change: p.Ser23Asn; replaces serine 23 with asparagine.
Molecular consequence: missense variant.
Genome position (GRCh38, 1-based): chr10:101,030,152, C>T on the plus strand (G>A on the coding strand, the complement: PDZD7 is on the minus strand). VCF-style: chr10-101030152-C-T. GRCh37 (hg19) VCF-style: chr10-102789909-C-T.
Other names: c.68G>A, p.Ser23Asn (NM_001351044.2, NM_024895.5); short protein forms S23N.
Identifiers: ClinVar variation 1473632 (VCV001473632.6), dbSNP rs905817065, ClinGen allele CA212992214.

ClinVar aggregate classification (germline): Uncertain significance (1 of 4 stars; one submission).

Allele frequency attached by ClinVar (database versions not stated): gnomAD exomes below 0.00001.

Submission:

Labcorp Genetics (formerly Invitae), Labcorp
Classification: Uncertain significance. Last evaluated: 2024-10-26. Review status: criteria provided, single submitter. Criteria: Invitae Variant Classification Sherloc (09022015). Collection method: clinical testing. Allele origin: germline.
Comment: This sequence change replaces serine, which is neutral and polar, with asparagine, which is neutral and polar, at codon 23 of the PDZD7 protein (p.Ser23Asn). This variant is not present in population databases (gnomAD no frequency). This variant has not been reported in the literature in individuals affected with PDZD7-related conditions. ClinVar contains an entry for this variant (Variation ID: 1473632). Invitae Evidence Modeling of protein sequence and biophysical properties (such as structural, functional, and spatial information, amino acid conservation, physicochemical variation, residue mobility, and thermodynamic stability) indicates that this missense variant is not expected to disrupt PDZD7 protein function with a negative predictive value of 80%. In summary, the available evidence is currently insufficient to determine the role of this variant in disease. Therefore, it has been classified as a Variant of Uncertain Significance.